The following is an entry in ClinVar:

NM_001035.3(RYR2):c.12983C>T (p.Ala4328Val)

Genes: RYR2 (ryanodine receptor 2; plus strand), LOC126806068 (BRD4-independent group 4 enhancer GRCh37_chr1:237947411-237948610; plus strand). Cytogenetic location: 1q43.
Variant type: single nucleotide variant.
Coding change: c.12983C>T on transcript NM_001035.3 (MANE Select); coding-DNA position 12983, C replaced by T.
Protein change: p.Ala4328Val; replaces alanine 4328 with valine.
Molecular consequence: missense variant.
Genome position (GRCh38, 1-based): chr1:237,784,695, C>T. VCF-style: chr1-237784695-C-T. GRCh37 (hg19) VCF-style: chr1-237947995-C-T.
Other names: short protein forms A4328V.
Identifiers: ClinVar variation 3070393 (VCV003070393.1), dbSNP rs752684165, ClinGen allele CA085280.

ClinVar aggregate classification (germline): Uncertain significance (1 of 4 stars; one submission).

Conditions:
Catecholaminergic polymorphic ventricular tachycardia (CVPT). Also called: Catecholamine-induced polymorphic ventricular tachycardia. Identifiers: Orphanet 3286, MedGen C5574922, MONDO:0017990.

Allele frequency attached by ClinVar (database versions not stated): gnomAD exomes below 0.00001; ExAC 0.00001.
gnomAD v4.1: 5 of 1,609,944 alleles (0.00031%); highest among the groups gnomAD compares: Non-Finnish European, 0.00042%; no homozygotes.

Submission:

All of Us Research Program, National Institutes of Health
Classification: Uncertain significance for Catecholaminergic polymorphic ventricular tachycardia. Last evaluated: 2023-04-10. Review status: criteria provided, single submitter. Criteria: ACMG Guidelines, 2015. Collection method: clinical testing. Allele origin: germline. Inheritance: Autosomal dominant inheritance. Observed: 1 variant allele, 1 heterozygote.
Comment: This missense variant replaces alanine with valine at codon 4328 of the RYR2 protein. Computational prediction suggests that this variant may not impact protein structure and function (internally defined REVEL score threshold <= 0.5, PMID: 27666373). To our knowledge, functional studies have not been reported for this variant. This variant has not been reported in individuals affected with RYR2-related disorders in the literature. This variant has been identified in 1/247238 chromosomes in the general population by the Genome Aggregation Database (gnomAD). The available evidence is insufficient to determine the role of this variant in disease conclusively. Therefore, this variant is classified as a Variant of Uncertain Significance.

This study involves interpretation of variants in research participants for the purpose of population health screening. Participant phenotype was not available at the time of variant classification. Additional details can be found in publication PMID: 35346344, PMCID: PMC8962531